The following is an entry in ClinVar:

NM_006922.4(SCN3A):c.32C>G (p.Pro11Arg)

Gene: SCN3A (sodium voltage-gated channel alpha subunit 3; minus strand). Cytogenetic location: 2q24.3.
Variant type: single nucleotide variant.
Coding change: c.32C>G on transcript NM_006922.4 (MANE Select); coding-DNA position 32, C replaced by G.
Protein change: p.Pro11Arg; replaces proline 11 with arginine.
Molecular consequence: missense variant.
Genome position (GRCh38, 1-based): chr2:165,176,363, G>C on the plus strand (C>G on the coding strand, the complement: SCN3A is on the minus strand). VCF-style: chr2-165176363-G-C. GRCh37 (hg19) VCF-style: chr2-166032873-G-C.
Other names: c.32C>G, p.Pro11Arg (NM_001081676.2, NM_001081677.2); short protein forms P11R.
Identifiers: ClinVar variation 3647422 (VCV003647422.2).
Genomic context (GRCh38, chr2:165,176,363, plus strand): 5'-TCTGCAGCACGTTTTTCGATAGCAGCAAGAGATTCTCTAGTAAAAAGGCGGAAGCTTTCA[G>C]GTCCTGGGGGTACCAACAGTGCCTGTGCCATCTTTTCATCCTGCACATTTAATTACGTGT-3'
Protein context (NP_008853.3, residues 1-21): MAQALLVPPG[Pro11Arg]ESFRLFTRES

ClinVar aggregate classification (germline): Uncertain significance (1 of 4 stars; one submission).

gnomAD v4.1: 4 of 1,614,044 alleles (0.00025%); highest among the groups gnomAD compares: South Asian, 0.0044%; no homozygotes.

Submission:

Labcorp Genetics (formerly Invitae), Labcorp
Classification: Uncertain significance. Last evaluated: 2024-03-25. Review status: criteria provided, single submitter. Criteria: Invitae Variant Classification Sherloc (09022015). Collection method: clinical testing. Allele origin: germline.
Comment: This sequence change replaces proline, which is neutral and non-polar, with arginine, which is basic and polar, at codon 11 of the SCN3A protein (p.Pro11Arg). This variant is present in population databases (rs751175820, gnomAD 0.006%). This variant has not been reported in the literature in individuals affected with SCN3A-related conditions. Advanced modeling of protein sequence and biophysical properties (such as structural, functional, and spatial information, amino acid conservation, physicochemical variation, residue mobility, and thermodynamic stability) performed at Invitae indicates that this missense variant is not expected to disrupt SCN3A protein function with a negative predictive value of 95%. In summary, the available evidence is currently insufficient to determine the role of this variant in disease. Therefore, it has been classified as a Variant of Uncertain Significance.